The following is an entry in ClinVar:

NM_000497.4(CYP11B1):c.1249T>G (p.Phe417Val)

Genes: CYP11B1 (cytochrome P450 family 11 subfamily B member 1; minus strand), LOC106799833 (CYP11B1 recombination region; plus strand). Cytogenetic location: 8q24.3.
Variant type: single nucleotide variant.
Coding change: c.1249T>G on transcript NM_000497.4 (MANE Select); coding-DNA position 1249, T replaced by G.
Protein change: p.Phe417Val; replaces phenylalanine 417 with valine.
Molecular consequence: missense variant. On other transcripts: intron variant (1).
Genome position (GRCh38, 1-based): chr8:142,875,106, A>C on the plus strand (T>G on the coding strand, the complement: CYP11B1 is on the minus strand). VCF-style: chr8-142875106-A-C. GRCh37 (hg19) VCF-style: chr8-143956522-A-C.
Other names: c.1200+128T>G (NM_001026213.1); short protein forms F417V.
Identifiers: ClinVar variation 4768118 (VCV004768118.1).

ClinVar aggregate classification (germline): Uncertain significance (1 of 4 stars; one submission).

gnomAD v4.1: 1 of 1,614,242 alleles (0.000062%); highest among the groups gnomAD compares: Non-Finnish European, 0.000085%; no homozygotes.

Submission:

Labcorp Genetics (formerly Invitae), Labcorp
Classification: Uncertain significance. Last evaluated: 2025-08-04. Review status: criteria provided, single submitter. Criteria: Invitae Variant Classification Sherloc (09022015). Collection method: clinical testing. Allele origin: germline.
Comment: This sequence change replaces phenylalanine, which is neutral and non-polar, with valine, which is neutral and non-polar, at codon 417 of the CYP11B1 protein (p.Phe417Val). This variant is present in population databases (rs768525580, gnomAD 0.003%). This variant has not been reported in the literature in individuals affected with CYP11B1-related conditions. Invitae Evidence Modeling of protein sequence and biophysical properties (such as structural, functional, and spatial information, amino acid conservation, physicochemical variation, residue mobility, and thermodynamic stability) indicates that this missense variant is expected to disrupt CYP11B1 protein function with a positive predictive value of 95%. In summary, the available evidence is currently insufficient to determine the role of this variant in disease. Therefore, it has been classified as a Variant of Uncertain Significance.